The following is an entry in ClinVar:

ClinVar aggregate classification (germline): Uncertain significance. Review status: criteria provided, multiple submitters, no conflicts (2 of 4 stars). 3 submissions from 3 submitters: Uncertain significance (3). Last evaluated 2024-05-21.

Conditions:
Inborn genetic diseases. Identifiers: MedGen C0950123, MeSH D030342.

Allele frequency attached by ClinVar (database versions not stated): ExAC 0.00001; gnomAD exomes 0.00002; gnomAD 0.00003; TOPMed 0.00003.
gnomAD v4.1: 45 of 1,614,038 alleles (0.0028%); highest among the groups gnomAD compares: Middle Eastern, 0.066%; 1 homozygote.

Submissions (3):

Blueprint Genetics
Classification: Uncertain significance. Last evaluated: 2024-05-21. Review status: criteria provided, single submitter. Criteria: ACMG Guidelines, 2015. Collection method: clinical testing. Allele origin: germline.

GeneDx
Classification: Uncertain significance. Last evaluated: 2022-09-15. Review status: criteria provided, single submitter. Criteria: GeneDx Variant Classification Process June 2021. Collection method: clinical testing. Allele origin: germline. Affected: yes.
Comment: Not observed at significant frequency in large population cohorts (gnomAD); In silico analysis supports that this missense variant does not alter protein structure/function; Has not been previously published as pathogenic or benign to our knowledge

Ambry Genetics
Classification: Uncertain significance for Inborn genetic diseases. Last evaluated: 2021-07-13. Review status: criteria provided, single submitter. Criteria: Ambry Variant Classification Scheme 2023. Collection method: clinical testing. Allele origin: germline.

NM_032756.4(HPDL):c.875G>A (p.Gly292Glu)

Genes: HPDL (4-hydroxyphenylpyruvate dioxygenase like; plus strand), LOC129930440 (ATAC-STARR-seq lymphoblastoid active region 965; plus strand). Cytogenetic location: 1p34.1.
Variant type: single nucleotide variant.
Coding change: c.875G>A on transcript NM_032756.4 (MANE Select); coding-DNA position 875, G replaced by A.
Protein change: p.Gly292Glu; replaces glycine 292 with glutamic acid.
Molecular consequence: missense variant.
Genome position (GRCh38, 1-based): chr1:45,328,023, G>A. VCF-style: chr1-45328023-G-A. GRCh37 (hg19) VCF-style: chr1-45793695-G-A.
Other names: short protein forms G292E.
Identifiers: ClinVar variation 2394883 (VCV002394883.4), dbSNP rs111452832, ClinGen allele CA826352.